The following is an entry in ClinVar:

ClinVar aggregate classification (germline): Conflicting classifications of pathogenicity. Review status: criteria provided, conflicting classifications (1 of 4 stars). 3 submissions from 3 submitters: Uncertain significance (2); Likely benign (1). Last evaluated 2026-02-05.

Conditions:
Hereditary cancer-predisposing syndrome. Also called: Neoplastic Syndromes, Hereditary; Tumor predisposition; Hereditary neoplastic syndrome; Hereditary Cancer Syndrome. Identifiers: Orphanet 140162, MedGen C0027672, MeSH D009386, MONDO:0015356.
Dilated cardiomyopathy 1GG (CMD1GG). Identifiers: Orphanet 154, MedGen C3150898, MONDO:0013339, OMIM 613642.
Mitochondrial complex II deficiency, nuclear type 1. Also called: SUCCINATE CoQ REDUCTASE DEFICIENCY. Identifiers: Orphanet 3208, MedGen C5700310, MONDO:0100294, OMIM 252011.
Pheochromocytoma/paraganglioma syndrome 5. Also called: Paragangliomas 5; SDHA-Related Hereditary Paraganglioma-Pheochromocytoma Syndrome. Identifiers: Orphanet 29072, MedGen C3279992, MONDO:0013602, OMIM 614165.

gnomAD v4.1: 1 of 1,613,846 alleles (0.000062%); highest among the groups gnomAD compares: Non-Finnish European, 0.000085%; no homozygotes.

Submissions (3):

Ambry Genetics
Classification: Likely benign for Hereditary cancer-predisposing syndrome. Last evaluated: 2026-02-05. Review status: criteria provided, single submitter. Criteria: Ambry Variant Classification Scheme 2023. Collection method: clinical testing. Allele origin: germline.

Labcorp Genetics (formerly Invitae), Labcorp
Classification: Uncertain significance for Pheochromocytoma/paraganglioma syndrome 5; Mitochondrial complex II deficiency, nuclear type 1. Last evaluated: 2026-01-19. Review status: criteria provided, single submitter. Criteria: Invitae Variant Classification Sherloc (09022015). Collection method: clinical testing. Allele origin: germline.
Comment: This sequence change replaces threonine, which is neutral and polar, with serine, which is neutral and polar, at codon 36 of the SDHA protein (p.Thr36Ser). This variant is not present in population databases (gnomAD no frequency). This variant has not been reported in the literature in individuals affected with SDHA-related conditions. ClinVar contains an entry for this variant (Variation ID: 568109). Invitae Evidence Modeling of protein sequence and biophysical properties (such as structural, functional, and spatial information, amino acid conservation, physicochemical variation, residue mobility, and thermodynamic stability) indicates that this missense variant is not expected to disrupt SDHA protein function with a negative predictive value of 95%. In summary, the available evidence is currently insufficient to determine the role of this variant in disease. Therefore, it has been classified as a Variant of Uncertain Significance.

Baylor Genetics
Classification: Uncertain significance for Dilated cardiomyopathy 1GG. Last evaluated: 2023-08-20. Review status: criteria provided, single submitter. Criteria: ACMG Guidelines, 2015. Collection method: clinical testing. Allele origin: unknown.

NM_004168.4(SDHA):c.106A>T (p.Thr36Ser)

Gene: SDHA (succinate dehydrogenase complex flavoprotein subunit A; plus strand). Cytogenetic location: 5p15.33.
Variant type: single nucleotide variant.
Coding change: c.106A>T on transcript NM_004168.4 (MANE Select); coding-DNA position 106, A replaced by T.
Protein change: p.Thr36Ser; replaces threonine 36 with serine.
Molecular consequence: missense variant.
Genome position (GRCh38, 1-based): chr5:223,524, A>T. VCF-style: chr5-223524-A-T. GRCh37 (hg19) VCF-style: chr5-223639-A-T.
Other names: c.106A>T, p.Thr36Ser (NM_001294332.2, NM_001330758.2); short protein forms T36S.
Identifiers: ClinVar variation 568109 (VCV000568109.19), dbSNP rs750500173, ClinGen allele CA359008157.